The following is an entry in ClinVar:

ClinVar aggregate classification (germline): Uncertain significance (1 of 4 stars; one submission).

Conditions:
Inborn genetic diseases. Identifiers: MedGen C0950123, MeSH D030342.

Submission:

Ambry Genetics
Classification: Uncertain significance for Inborn genetic diseases. Last evaluated: 2023-12-19. Review status: criteria provided, single submitter. Criteria: Ambry Variant Classification Scheme 2023. Collection method: clinical testing. Allele origin: germline.
Comment: The p.Y278H variant (also known as c.832T>C), located in coding exon 7 of the EPAS1 gene, results from a T to C substitution at nucleotide position 832. The tyrosine at codon 278 is replaced by histidine, an amino acid with similar properties. This amino acid position is conserved. In addition, this alteration is predicted to be deleterious by in silico analysis. Since supporting evidence is limited at this time, the clinical significance of this alteration remains unclear.

NM_001430.5(EPAS1):c.832T>C (p.Tyr278His)

Gene: EPAS1 (endothelial PAS domain protein 1; plus strand). Cytogenetic location: 2p21.
Variant type: single nucleotide variant.
Coding change: c.832T>C on transcript NM_001430.5 (MANE Select); coding-DNA position 832, T replaced by C.
Protein change: p.Tyr278His; replaces tyrosine 278 with histidine.
Molecular consequence: missense variant.
Genome position (GRCh38, 1-based): chr2:46,369,879, T>C. VCF-style: chr2-46369879-T-C. GRCh37 (hg19) VCF-style: chr2-46597018-T-C.
Other names: short protein forms Y278H.
Identifiers: ClinVar variation 3221676 (VCV003221676.1), dbSNP rs2546464258, ClinGen allele CA346701713.